The following is an entry in ClinVar:

NM_001379500.1(COL18A1):c.3130C>T (p.His1044Tyr)

Genes: COL18A1 (collagen type XVIII alpha 1 chain; plus strand), SLC19A1 (solute carrier family 19 member 1; minus strand). Cytogenetic location: 21q22.3.
Variant type: single nucleotide variant.
Coding change: c.3130C>T on transcript NM_001379500.1 (MANE Select); coding-DNA position 3130, C replaced by T.
Protein change: p.His1044Tyr; replaces histidine 1044 with tyrosine.
Molecular consequence: missense variant.
Genome position (GRCh38, 1-based): chr21:45,505,880, C>T. VCF-style: chr21-45505880-C-T. GRCh37 (hg19) VCF-style: chr21-46925794-C-T.
Other names: c.3661C>T, p.His1221Tyr (NM_030582.4); c.4366C>T, p.His1456Tyr (NM_130444.3); short protein forms H1221Y, H1456Y, H1044Y.
Identifiers: ClinVar variation 1520057 (VCV001520057.6), dbSNP rs2146087846, ClinGen allele CA410499907.

ClinVar aggregate classification (germline): Uncertain significance (1 of 4 stars; one submission).

Allele frequency attached by ClinVar (database versions not stated): gnomAD exomes below 0.00001.
gnomAD v4.1: 1 of 1,611,616 alleles (0.000062%); highest among the groups gnomAD compares: Non-Finnish European, 0.000085%; no homozygotes.

Submission:

Labcorp Genetics (formerly Invitae), Labcorp
Classification: Uncertain significance. Last evaluated: 2022-06-27. Review status: criteria provided, single submitter. Criteria: Invitae Variant Classification Sherloc (09022015). Collection method: clinical testing. Allele origin: germline.
Comment: This sequence change replaces histidine, which is basic and polar, with tyrosine, which is neutral and polar, at codon 1041 of the COL18A1 protein (p.His1041Tyr). This variant is not present in population databases (gnomAD no frequency). This variant has not been reported in the literature in individuals affected with COL18A1-related conditions. Experimental studies and prediction algorithms are not available or were not evaluated, and the functional significance of this variant is currently unknown. In summary, the available evidence is currently insufficient to determine the role of this variant in disease. Therefore, it has been classified as a Variant of Uncertain Significance.